The following continues an entry in ClinVar:

NM_024675.4(PALB2):c.1250C>A (p.Ser417Tyr)

Gene: PALB2. ClinVar aggregate classification (germline): Conflicting classifications of pathogenicity. Uncertain significance (9); Benign (2); Likely benign (9).

Submissions 15 to 22 of 22:

Sema4
Classification: Uncertain significance for Hereditary cancer-predisposing syndrome. Last evaluated: 2021-10-22. Review status: criteria provided, single submitter. Criteria: Sema4 Curation Guidelines. Collection method: curation. Allele origin: germline.
Comment: The PALB2 c.1250C>A (p.S417Y) variant has been reported in heterozygosity in at least 2 individuals with breast cancer and at least 1 individual with familial pancreatic cancer; however, this variant has also been identified in at least 1 unaffected control (PMID: 25186627, 22241545, 32255556, 26283626). Additionally, a large case-controls study observed the variant in 26/60466 breast cancer cases and in 17/53461 controls (PMID: 33471991). Functional studies have shown that this variant alters the ChAM-mediated PALB2 chromatin association but not cellular resistance to camptothecin in vitro (PMID: 29387807). Homology-directed DNA repair (HDR) assays and a PARP inhibitor sensitivity assay demonstrated the normal function of the protein (PMID: 31636395, 31757951). This variant was observed in 29/128774 chromosomes in the Non-Finnish European population, with 0 homozygotes, according to the Genome Aggregation Database (PMID: 32461654). This variant has been reported in ClinVar (Variation ID: 126595). Based on the current evidence available, this variant is interpreted as a variant of uncertain significance.

Department of Pathology and Laboratory Medicine, Sinai Health System
Classification: Uncertain significance for Fanconi anemia complementation group N; Pancreatic cancer, susceptibility to, 3; Breast-ovarian cancer, familial, susceptibility to, 5. Last evaluated: 2021-10-05. Review status: criteria provided, single submitter. Criteria: ACMG Guidelines, 2015. Collection method: clinical testing. Allele origin: germline. Affected: yes.

Ambry Genetics
Classification: Likely benign for Hereditary cancer-predisposing syndrome. Last evaluated: 2021-05-20. Review status: criteria provided, single submitter. Criteria: Ambry Variant Classification Scheme 2023. Collection method: clinical testing. Allele origin: germline.

Mendelics
Classification: Uncertain significance for Hereditary cancer-predisposing syndrome. Last evaluated: 2018-07-02. Review status: criteria provided, single submitter. Criteria: Mendelics Assertion Criteria 2017. Collection method: clinical testing. Allele origin: unknown.

Genetic Services Laboratory, University of Chicago
Classification: Uncertain significance. Last evaluated: 2018-06-18. Review status: criteria provided, single submitter. Criteria: ACMG Guidelines, 2015. Collection method: clinical testing. Allele origin: germline. Affected: no.

Cancer Genetics Laboratory, Peter MacCallum Cancer Centre
Classification: Uncertain significance for Familial cancer of breast. Last evaluated: 2015-06-01. Review status: criteria provided, single submitter. Criteria: Thompson et al. (Breast Cancer Res. 2015). Collection method: case-control. Allele origin: germline. Affected: no. Observed: 1 variant allele, 1 heterozygote.

Leiden Open Variation Database
Classification: Uncertain significance. Last evaluated: 2019-05-13. Review status: no assertion criteria provided. Collection method: curation. Allele origin: germline. Affected: yes. Not counted in ClinVar's aggregate classification.
Comment: Curators: Marc Tischkowitz, Arleen D. Auerbach. Submitters to LOVD: Marc Tischkowitz, Melissa DeRycke.

Counsyl
Classification: Uncertain significance for Familial cancer of breast. Last evaluated: 2016-09-19. Review status: no assertion criteria provided. Collection method: clinical testing. Allele origin: unknown. Not counted in ClinVar's aggregate classification.

Literature cited by the submitters: PubMed 17200668 (cited by 6 submitters); PubMed 25980754 (cited by 5 submitters); PubMed 22241545 (cited by 8 submitters); PubMed 26283626 (cited by 7 submitters); PubMed 29458332 (cited by 5 submitters); PubMed 29387807 (cited by 6 submitters); PubMed 30680046 (cited by Women's Health and Genetics/Laboratory Corporation of America, LabCorp); PubMed 31636395 (cited by 5 submitters); PubMed 31757951 (cited by 4 submitters); PubMed 32255556 (cited by 4 submitters); PubMed 34204722 (cited by Women's Health and Genetics/Laboratory Corporation of America, LabCorp); PubMed 34357101 (cited by Women's Health and Genetics/Laboratory Corporation of America, LabCorp and Quest Diagnostics Nichols Institute San Juan Capistrano); PubMed 25085752 (cited by Myriad Genetics, Inc.); PubMed 23555315 (cited by 3 submitters); PubMed 26315354 (cited by 5 submitters); PubMed 28779002 (cited by 4 submitters); PubMed 25186627 (cited by 6 submitters); PubMed 26976419 (cited by Genetics and Molecular Pathology, SA Pathology and Counsyl); PubMed 33471991 (cited by 3 submitters).